The following is an entry in ClinVar:

NM_004279.3(PMPCB):c.871A>G (p.Met291Val)

Gene: PMPCB (peptidase, mitochondrial processing subunit beta; plus strand). Cytogenetic location: 7q22.1.
Variant type: single nucleotide variant.
Coding change: c.871A>G on transcript NM_004279.3 (MANE Select); coding-DNA position 871, A replaced by G.
Protein change: p.Met291Val; replaces methionine 291 with valine.
Molecular consequence: missense variant.
Genome position (GRCh38, 1-based): chr7:103,308,973, A>G. VCF-style: chr7-103308973-A-G. GRCh37 (hg19) VCF-style: chr7-102949420-A-G.
Other names: short protein forms M291V.
Identifiers: ClinVar variation 1915066 (VCV001915066.5), dbSNP rs760772242, ClinGen allele CA4418116.

ClinVar aggregate classification (germline): Uncertain significance (1 of 4 stars; one submission).

Allele frequency attached by ClinVar (database versions not stated): gnomAD exomes below 0.00001; ExAC 0.00001; gnomAD 0.00004; TOPMed 0.00005.
gnomAD v4.1: 8 of 1,595,908 alleles (0.0005%); highest among the groups gnomAD compares: African/African-American, 0.011%; no homozygotes.

Submission:

Labcorp Genetics (formerly Invitae), Labcorp
Classification: Uncertain significance. Last evaluated: 2023-04-24. Review status: criteria provided, single submitter. Criteria: Invitae Variant Classification Sherloc (09022015). Collection method: clinical testing. Allele origin: germline.
Comment: In summary, the available evidence is currently insufficient to determine the role of this variant in disease. Therefore, it has been classified as a Variant of Uncertain Significance. Advanced modeling of protein sequence and biophysical properties (such as structural, functional, and spatial information, amino acid conservation, physicochemical variation, residue mobility, and thermodynamic stability) performed at Invitae indicates that this missense variant is not expected to disrupt PMPCB protein function. ClinVar contains an entry for this variant (Variation ID: 1915066). This variant has not been reported in the literature in individuals affected with PMPCB-related conditions. This variant is present in population databases (rs760772242, gnomAD 0.01%). This sequence change replaces methionine, which is neutral and non-polar, with valine, which is neutral and non-polar, at codon 291 of the PMPCB protein (p.Met291Val).